The following is an entry in ClinVar:

ClinVar aggregate classification (germline): Uncertain significance (1 of 4 stars; one submission).

gnomAD v4.1: 4 of 1,613,328 alleles (0.00025%); highest among the groups gnomAD compares: Non-Finnish European, 0.00034%; no homozygotes.

Submission:

Labcorp Genetics (formerly Invitae), Labcorp
Classification: Uncertain significance. Last evaluated: 2025-04-19. Review status: criteria provided, single submitter. Criteria: Invitae Variant Classification Sherloc (09022015). Collection method: clinical testing. Allele origin: germline.
Comment: This sequence change replaces lysine, which is basic and polar, with arginine, which is basic and polar, at codon 5518 of the HMCN1 protein (p.Lys5518Arg). This variant is not present in population databases (gnomAD no frequency). This variant has not been reported in the literature in individuals affected with HMCN1-related conditions. An algorithm developed to predict the effect of missense changes on protein structure and function (PolyPhen-2) suggests that this variant is likely to be disruptive. In summary, the available evidence is currently insufficient to determine the role of this variant in disease. Therefore, it has been classified as a Variant of Uncertain Significance.

NM_031935.3(HMCN1):c.16553A>G (p.Lys5518Arg)

Gene: HMCN1 (hemicentin 1; plus strand). Cytogenetic location: 1q31.1.
Variant type: single nucleotide variant.
Coding change: c.16553A>G on transcript NM_031935.3 (MANE Select); coding-DNA position 16553, A replaced by G.
Protein change: p.Lys5518Arg; replaces lysine 5518 with arginine.
Molecular consequence: missense variant.
Genome position (GRCh38, 1-based): chr1:186,189,523, A>G. VCF-style: chr1-186189523-A-G. GRCh37 (hg19) VCF-style: chr1-186158655-A-G.
Other names: short protein forms K5518R.
Identifiers: ClinVar variation 4700234 (VCV004700234.1).
Genomic context (GRCh38, chr1:186,189,523, plus strand): 5'-CTCCTACTTCCAGATAACTATGTGTATTTGATATGTTTGTTGTCCTTAGGTTCTGCCTCA[A>G]GAACTGTCCACCCAATGATTTGGAATGTGCCTTGAGCCCATATGCCTTGGAATACAAACT-3'
Protein context (NP_114141.2, residues 5508-5528): QRDPVSGFCL[Lys5518Arg]NCPPNDLECA